The following is an entry in ClinVar:

ClinVar aggregate classification (germline): Uncertain significance (1 of 4 stars; one submission).

Conditions:
Cardiovascular phenotype. Identifiers: MedGen CN230736.

Submission:

Ambry Genetics
Classification: Uncertain significance for Cardiovascular phenotype. Last evaluated: 2025-07-11. Review status: criteria provided, single submitter. Criteria: Ambry Variant Classification Scheme 2023. Collection method: clinical testing. Allele origin: germline.
Comment: The p.S17F variant (also known as c.50C>T), located in coding exon 1 of the CBL gene, results from a C to T substitution at nucleotide position 50. The serine at codon 17 is replaced by phenylalanine, an amino acid with highly dissimilar properties. This amino acid position is conserved. In addition, this alteration is predicted to be tolerated by in silico analysis. Based on the available evidence, the clinical significance of this variant remains unclear.

NM_005188.4(CBL):c.50C>T (p.Ser17Phe)

Genes: CBL (Cbl proto-oncogene; plus strand), LOC130006895 (ATAC-STARR-seq lymphoblastoid silent region 3975; plus strand). Cytogenetic location: 11q23.3.
Variant type: single nucleotide variant.
Coding change: c.50C>T on transcript NM_005188.4 (MANE Select); coding-DNA position 50, C replaced by T.
Protein change: p.Ser17Phe; replaces serine 17 with phenylalanine.
Molecular consequence: missense variant.
Genome position (GRCh38, 1-based): chr11:119,206,467, C>T. VCF-style: chr11-119206467-C-T. GRCh37 (hg19) VCF-style: chr11-119077177-C-T.
Other names: short protein forms S17F.
Identifiers: ClinVar variation 4219862 (VCV004219862.1).